The following is an entry in ClinVar:

NM_003079.5(SMARCE1):c.662C>T (p.Thr221Ile)

Gene: SMARCE1 (SWI/SNF related BAF chromatin remodeling complex subunit E1; minus strand). Cytogenetic location: 17q21.2.
Variant type: single nucleotide variant.
Coding change: c.662C>T on transcript NM_003079.5 (MANE Select); coding-DNA position 662, C replaced by T.
Protein change: p.Thr221Ile; replaces threonine 221 with isoleucine.
Molecular consequence: missense variant.
Genome position (GRCh38, 1-based): chr17:40,632,247, G>A on the plus strand (C>T on the coding strand, the complement: SMARCE1 is on the minus strand). VCF-style: chr17-40632247-G-A. GRCh37 (hg19) VCF-style: chr17-38788499-G-A.
Other names: short protein forms T221I.
Identifiers: ClinVar variation 3320845 (VCV003320845.1).

ClinVar aggregate classification (germline): Uncertain significance (1 of 4 stars; one submission).

Conditions:
Hereditary cancer-predisposing syndrome. Also called: Neoplastic Syndromes, Hereditary; Tumor predisposition; Hereditary neoplastic syndrome; Hereditary Cancer Syndrome. Identifiers: Orphanet 140162, MedGen C0027672, MeSH D009386, MONDO:0015356.

Submission:

Ambry Genetics
Classification: Uncertain significance for Hereditary cancer-predisposing syndrome. Last evaluated: 2024-05-20. Review status: criteria provided, single submitter. Criteria: Ambry Variant Classification Scheme 2023. Collection method: clinical testing. Allele origin: germline.
Comment: The p.T221I variant (also known as c.662C>T), located in coding exon 7 of the SMARCE1 gene, results from a C to T substitution at nucleotide position 662. The threonine at codon 221 is replaced by isoleucine, an amino acid with similar properties. This amino acid position is conserved. In addition, the in silico prediction for this alteration is inconclusive. Based on the available evidence, the clinical significance of this variant remains unclear.